The following is an entry in ClinVar:

NM_007294.4(BRCA1):c.2608_2612delinsCCTCT (p.Ala870_Pro871delinsProLeu)

Gene: BRCA1 (BRCA1 DNA repair associated; minus strand). Cytogenetic location: 17q21.31.
Variant type: Indel.
Coding change: c.2608_2612delinsCCTCT on transcript NM_007294.4 (MANE Select); coding-DNA positions 2608 to 2612, GCTCC replaced by CCTCT.
Protein change: p.Ala870_Pro871delinsProLeu.
Molecular consequence: missense variant. On other transcripts: intron variant (137).
Genome position (GRCh38, 1-based): chr17:43,092,919-43,092,923, GGAGC replaced by AGAGG on the plus strand (GCTCC replaced by CCTCT on the coding strand, the reverse complement: BRCA1 is on the minus strand). VCF-style: chr17-43092919-GGAGC-AGAGG. GRCh37 (hg19) VCF-style: chr17-41244936-GGAGC-AGAGG.
Other names: c.2482_2486delinsCCTCT, p.Ala828_Pro829delinsProLeu (NM_001407687.1, NM_001407688.1, NM_001407689.1 and 11 more transcripts); c.2467_2471delinsCCTCT, p.Ala823_Pro824delinsProLeu (NM_001407692.1, NM_001407694.1, NM_001407695.1 and 29 more transcripts); c.2398_2402delinsCCTCT, p.Ala800_Pro801delinsProLeu (NM_001407885.1, NM_001407886.1, NM_001407887.1 and 13 more transcripts); c.2395_2399delinsCCTCT, p.Ala799_Pro800delinsProLeu (NM_001407894.1, NM_001407895.1, NM_001407896.1 and 9 more transcripts); c.2464_2468delinsCCTCT, p.Ala822_Pro823delinsProLeu (NM_001407847.1, NM_001407848.1, NM_001407849.1 and 20 more transcripts); c.2608_2612delinsCCTCT, p.Ala870_Pro871delinsProLeu (NM_001407854.1, NM_001407858.1, NM_001407859.1 and 30 more transcripts); c.2605_2609delinsCCTCT, p.Ala869_Pro870delinsProLeu (NM_001407860.1, NM_001407861.1, NM_001407587.1 and 22 more transcripts); c.2407_2411delinsCCTCT, p.Ala803_Pro804delinsProLeu (NM_001407862.1); and 41 more.
Identifiers: ClinVar variation 2573283 (VCV002573283.1), dbSNP rs2552186199, ClinGen allele CA2580612680.

ClinVar aggregate classification (germline): Likely benign (1 of 4 stars; one submission).

Conditions:
Breast-ovarian cancer, familial, susceptibility to, 1 (BROVCA1). Also called: BRCA1 Hereditary Breast and Ovarian Cancer; OVARIAN CANCER, SUSCEPTIBILITY TO. Identifiers: Orphanet 145, MedGen C2676676, MONDO:0011450, OMIM 604370. Disease mechanism: loss of function.

Submission:

Myriad Genetics, Inc.
Classification: Likely benign for Breast-ovarian cancer, familial, susceptibility to, 1. Last evaluated: 2023-06-09. Review status: criteria provided, single submitter. Criteria: Myriad Autosomal Dominant, Autosomal Recessive and X-Linked Classification Criteria (2023). Collection method: clinical testing. Allele origin: unknown.
Comment: This variant is considered likely benign. This variant is strongly associated with less severe personal and family histories of cancer, typical for individuals without pathogenic variants in this gene [PMID: 25085752].

Literature cited by the submitters: PubMed 25085752.